The following is an entry in ClinVar:

NM_005228.5(EGFR):c.2497_2498delinsCC (p.Leu833Pro)

Gene: EGFR (epidermal growth factor receptor; plus strand). Cytogenetic location: 7p11.2.
Variant type: Indel.
Coding change: c.2497_2498delinsCC on transcript NM_005228.5 (MANE Select); coding-DNA positions 2497 to 2498, TT replaced by CC.
Protein change: p.Leu833Pro; replaces leucine 833 with proline.
Molecular consequence: missense variant.
Genome position (GRCh38, 1-based): chr7:55,191,746-55,191,747, TT replaced by CC. VCF-style: chr7-55191746-TT-CC. GRCh37 (hg19) VCF-style: chr7-55259439-TT-CC.
Other names: c.2362_2363delinsCC, p.Leu788Pro (NM_001346897.2, NM_001346899.2); c.2497_2498delinsCC, p.Leu833Pro (NM_001346898.2); c.2338_2339delinsCC, p.Leu780Pro (NM_001346900.2); c.1696_1697delinsCC, p.Leu566Pro (NM_001346941.2); short protein forms L566P, L780P, L788P, L833P.
Identifiers: ClinVar variation 1422579 (VCV001422579.6), dbSNP rs2128964422, ClinGen allele CA2573142232.
Genomic context (GRCh38, chr7:55,191,746, plus strand): 5'-CTGTCCCTCACAGCAGGGTCTTCTCTGTTTCAGGGCATGAACTACTTGGAGGACCGTCGC[TT>CC]GGTGCACCGCGACCTGGCAGCCAGGAACGTACTGGTGAAAACACCGCAGCATGTCAAGAT-3'
Protein context (NP_005219.2, residues 823-843): KGMNYLEDRR[Leu833Pro]VHRDLAARNV

ClinVar aggregate classification (germline): Uncertain significance (1 of 4 stars; one submission).

Conditions:
EGFR-related lung cancer (EGFR). Identifiers: MedGen CN130014.

Submission:

Labcorp Genetics (formerly Invitae), Labcorp
Classification: Uncertain significance for EGFR-related lung cancer. Last evaluated: 2021-10-23. Review status: criteria provided, single submitter. Criteria: Invitae Variant Classification Sherloc (09022015). Collection method: clinical testing. Allele origin: germline.
Comment: The frequency data for this variant in the population databases is not available, as this variant may be reported as separate entries in the ExAC database. This variant has not been reported in the literature in individuals affected with EGFR-related conditions. Algorithms developed to predict the effect of missense changes on protein structure and function are either unavailable or do not agree on the potential impact of this missense change (SIFT: "Not Available"; PolyPhen-2: "Probably Damaging"; Align-GVGD: "Not Available"). In summary, the available evidence is currently insufficient to determine the role of this variant in disease. Therefore, it has been classified as a Variant of Uncertain Significance. This sequence change replaces leucine with proline at codon 833 of the EGFR protein (p.Leu833Pro). The leucine residue is highly conserved and there is a moderate physicochemical difference between leucine and proline.